The following is an entry in ClinVar:

ClinVar aggregate classification (germline): Conflicting classifications of pathogenicity. Review status: criteria provided, conflicting classifications (1 of 4 stars). 3 submissions from 3 submitters: Uncertain significance (1); Likely benign (2). Last evaluated 2025-11-20.

Conditions:
Cardiovascular phenotype. Identifiers: MedGen CN230736.
Arrhythmogenic right ventricular cardiomyopathy (ARVD). Also called: Cardiomyopathy, ARVC; Arrhythmogenic right ventricular dysplasia; Arrhythmogenic cardiomyopathy; Arrhythmogenic Right Ventricular Cardiomyopathy (ARVC). Identifiers: Orphanet 247, MedGen C0349788, MeSH D019571, MONDO:0016587. Disease mechanism: loss of function. Inheritance: Various modes of inheritance.
Arrhythmogenic right ventricular dysplasia 9 (ARVD9). Also called: Arrhythmogenic Right Ventricular Dysplasia/Cardiomyopathy 9; ARRHYTHMOGENIC RIGHT VENTRICULAR DYSPLASIA, FAMILIAL, 9. Identifiers: MedGen C1836906, MONDO:0012180, OMIM 609040.

Allele frequency attached by ClinVar (database versions not stated): TOPMed below 0.00001; ExAC 0.00001; gnomAD 0.00002.
gnomAD v4.1: 3 of 1,613,424 alleles (0.00019%); highest among the groups gnomAD compares: African/African-American, 0.0027%; no homozygotes.

Submissions (3):

Labcorp Genetics (formerly Invitae), Labcorp
Classification: Likely benign for Arrhythmogenic right ventricular dysplasia 9. Last evaluated: 2025-11-20. Review status: criteria provided, single submitter. Criteria: Invitae Variant Classification Sherloc (09022015). Collection method: clinical testing. Allele origin: germline.

All of Us Research Program, National Institutes of Health
Classification: Uncertain significance for Arrhythmogenic right ventricular cardiomyopathy. Last evaluated: 2023-08-15. Review status: criteria provided, single submitter. Criteria: ACMG Guidelines, 2015. Collection method: clinical testing. Allele origin: germline. Inheritance: Autosomal dominant inheritance. Observed: 1 variant allele, 1 heterozygote.
Comment: This variant is located in the PKP2 protein. To our knowledge, functional studies have not been reported for this variant. This variant has not been reported in individuals affected with PKP2-related disorders in the literature. This variant has been identified in 1/249010 chromosomes in the general population by the Genome Aggregation Database (gnomAD). The available evidence is insufficient to determine the role of this variant in disease conclusively. Therefore, this variant is classified as a Variant of Uncertain Significance.

This study involves interpretation of variants in research participants for the purpose of population health screening. Participant phenotype was not available at the time of variant classification. Additional details can be found in publication PMID: 35346344, PMCID: PMC8962531

Ambry Genetics
Classification: Likely benign for Cardiovascular phenotype. Last evaluated: 2021-07-07. Review status: criteria provided, single submitter. Criteria: Ambry Variant Classification Scheme 2023. Collection method: clinical testing. Allele origin: germline.

NM_001005242.3(PKP2):c.1017C>T (p.Phe339=)

Gene: PKP2 (plakophilin 2; minus strand). Cytogenetic location: 12p11.21.
Variant type: single nucleotide variant.
Coding change: c.1017C>T on transcript NM_001005242.3 (MANE Select); coding-DNA position 1017, C replaced by T.
Protein change: p.Phe339=; no amino-acid change (phenylalanine 339 retained).
Molecular consequence: synonymous variant.
Genome position (GRCh38, 1-based): chr12:32,877,863, G>A on the plus strand (C>T on the coding strand, the complement: PKP2 is on the minus strand). VCF-style: chr12-32877863-G-A. GRCh37 (hg19) VCF-style: chr12-33030797-G-A.
Other names: c.1017C>T, p.Phe339= (NM_001407155.1, NM_001407156.1, NM_001407157.1 and 2 more transcripts); c.690C>T, p.Phe230= (NM_001407158.1, NM_001407159.1, NM_001407160.1 and 1 more transcripts).
Identifiers: ClinVar variation 1747471 (VCV001747471.5), dbSNP rs751068912, ClinGen allele CA026702.